The following is an entry in ClinVar:

ClinVar aggregate classification (germline): Uncertain significance (1 of 4 stars; one submission).

Submission:

Women's Health and Genetics/Laboratory Corporation of America, LabCorp
Classification: Uncertain significance. Last evaluated: 2025-09-05. Review status: criteria provided, single submitter. Criteria: LabCorp Variant Classification Summary - May 2015. Collection method: clinical testing. Allele origin: germline.
Comment: Variant summary: HEXA c.784C>T (p.His262Tyr) results in a conservative amino acid change in the encoded protein sequence. Algorithms developed to predict the effect of missense changes on protein structure and function are either unavailable or do not agree on the potential impact of this missense change. The variant was absent in 251470 control chromosomes. The available data on variant occurrences in the general population are insufficient to allow any conclusion about variant significance. c.784C>T has been observed in individual(s) affected with Tay-Sachs Disease (Tian_2022). These data do not allow any conclusion about variant significance. To our knowledge, no experimental evidence demonstrating an impact on protein function has been reported. The following publication have been ascertained in the context of this evaluation (PMID: 35762438). No submitters have cited clinical-significance assessments for this variant to ClinVar. Based on the evidence outlined above, the variant was classified as uncertain significance.

Literature cited by the submitters: PubMed 35762438.

NM_000520.6(HEXA):c.784C>T (p.His262Tyr)

Gene: HEXA (hexosaminidase subunit alpha; minus strand). Cytogenetic location: 15q23.
Variant type: single nucleotide variant.
Coding change: c.784C>T on transcript NM_000520.6 (MANE Select); coding-DNA position 784, C replaced by T.
Protein change: p.His262Tyr; replaces histidine 262 with tyrosine.
Molecular consequence: missense variant. On other transcripts: non-coding transcript variant (1).
Genome position (GRCh38, 1-based): chr15:72,350,539, G>A on the plus strand (C>T on the coding strand, the complement: HEXA is on the minus strand). VCF-style: chr15-72350539-G-A. GRCh37 (hg19) VCF-style: chr15-72642880-G-A.
Other names: c.817C>T, p.His273Tyr (NM_001318825.2); short protein forms H262Y, H273Y.
Identifiers: ClinVar variation 4535726 (VCV004535726.1).